The following is an entry in ClinVar:

ClinVar aggregate classification (germline): Likely benign (1 of 4 stars; one submission).

Submission:

CeGaT Center for Human Genetics Tuebingen
Classification: Likely benign. Last evaluated: 2023-02-01. Review status: criteria provided, single submitter. Criteria: CeGaT Center For Human Genetics Tuebingen Variant Classification Criteria Version 2. Collection method: clinical testing. Allele origin: germline. Affected: yes. Observed: 2 variant alleles.
Comment: TTN: PM2:Supporting, BP4, BP7

NM_001267550.2(TTN):c.18552A>G (p.Ala6184=)

Genes: TTN (titin; minus strand), LOC126806430 (BRD4-independent group 4 enhancer GRCh37_chr2:179593794-179594993; plus strand). Cytogenetic location: 2q31.2.
Variant type: single nucleotide variant.
Coding change: c.18552A>G on transcript NM_001267550.2 (MANE Select); coding-DNA position 18552, A replaced by G.
Protein change: p.Ala6184=; no amino-acid change (alanine 6184 retained).
Molecular consequence: synonymous variant. On other transcripts: intron variant (3).
Genome position (GRCh38, 1-based): chr2:178,729,701, T>C on the plus strand (A>G on the coding strand, the complement: TTN is on the minus strand). VCF-style: chr2-178729701-T-C. GRCh37 (hg19) VCF-style: chr2-179594428-T-C.
Other names: c.17601A>G, p.Ala5867= (NM_001256850.1); c.14820A>G, p.Ala4940= (NM_133378.4); c.13282+8381A>G (NM_003319.4); c.13858+8381A>G (NM_133437.4); c.13657+8381A>G (NM_133432.3).
Identifiers: ClinVar variation 2498854 (VCV002498854.28), dbSNP rs2080057937, ClinGen allele CA430292470.